The following is an entry in ClinVar:

ClinVar aggregate classification (germline): Pathogenic (1 of 4 stars; one submission).

Conditions:
Hereditary spastic paraplegia 47. Also called: CEREBRAL PALSY, SPASTIC QUADRIPLEGIC, 5; adaptor protein 4 (AP-4) deficiency syndrome; Spastic paraplegia 47, autosomal recessive. Identifiers: Orphanet 280763, MedGen C3279738, MONDO:0013551, OMIM 614066.

Submission:

Labcorp Genetics (formerly Invitae), Labcorp
Classification: Pathogenic for Hereditary spastic paraplegia 47. Last evaluated: 2023-10-13. Review status: criteria provided, single submitter. Criteria: Invitae Variant Classification Sherloc (09022015). Collection method: clinical testing. Allele origin: germline.
Comment: This sequence change creates a premature translational stop signal (p.Cys293Phefs*13) in the AP4B1 gene. It is expected to result in an absent or disrupted protein product. Loss-of-function variants in AP4B1 are known to be pathogenic (PMID: 22290197, 24700674, 24781758). This variant is not present in population databases (gnomAD no frequency). This variant has not been reported in the literature in individuals affected with AP4B1-related conditions. For these reasons, this variant has been classified as Pathogenic.

Literature cited by the submitters: PubMed 22290197; PubMed 24700674; PubMed 24781758.

NM_001253852.3(AP4B1):c.876_877del (p.Cys293fs)

Genes: AP4B1 (adaptor related protein complex 4 subunit beta 1; minus strand), AP4B1-AS1 (AP4B1 antisense RNA 1; plus strand). Cytogenetic location: 1p13.2.
Variant type: Microsatellite.
Coding change: c.876_877del on transcript NM_001253852.3 (MANE Select); coding-DNA positions 876 to 877, 2 bases deleted (CT; older notation c.876_877delCT).
Protein change: p.Cys293fs; shifts the reading frame from cysteine 293.
Molecular consequence: frameshift variant. On other transcripts: non-coding transcript variant (2).
Genome position (GRCh38, 1-based): chr1:113,900,141-113,900,142, AG deleted on the plus strand (CT on the coding strand, the reverse complement: AP4B1 is on the minus strand); deleting any 2 consecutive bases within chr1:113,900,141-113,900,144 gives the same sequence; the c. name uses the placement nearest the transcript's 3' end. VCF-style (leftmost placement, unchanged base first): chr1-113900140-CAG-C. GRCh37 (hg19) VCF-style: chr1-114442762-CAG-C.
Other names: c.579_580del, p.Cys194fs (NM_001253853.3); c.372_373del, p.Cys125fs (NM_001308312.2); c.876_877del, p.Cys293fs (NM_006594.5); short protein forms C125fs, C293fs, C194fs.
Identifiers: ClinVar variation 2106782 (VCV002106782.4), dbSNP rs2526589151, ClinGen allele CA2580611474.
Genomic context (GRCh38, chr1:113,900,140, plus strand): 5'-CTGCTAAAGTGACCTGGTAAACTATGCAAGATCTGGCGTACATGACAAAGAGCAACAAAA[CAG>C]AGCTCACGGCTCTCTGAAGAACAGGCAGCTAGCAAAGGTCCCTTGACCCGCACAAGGACA-3'